The following is an entry in ClinVar:

ClinVar aggregate classification (germline): Uncertain significance (1 of 4 stars; one submission).

Submission:

Mayo Clinic Laboratories, Mayo Clinic
Classification: Uncertain significance. Last evaluated: 2022-03-15. Review status: criteria provided, single submitter. Criteria: ACMG Guidelines, 2015. Collection method: clinical testing. Allele origin: germline. Observed: 1 variant allele.
Comment: PM2_supporting

NM_004415.4(DSP):c.8282C>T (p.Ala2761Val)

Gene: DSP (desmoplakin; plus strand). Cytogenetic location: 6p24.3.
Variant type: single nucleotide variant.
Coding change: c.8282C>T on transcript NM_004415.4 (MANE Select); coding-DNA position 8282, C replaced by T.
Protein change: p.Ala2761Val; replaces alanine 2761 with valine.
Molecular consequence: missense variant.
Genome position (GRCh38, 1-based): chr6:7,585,544, C>T. VCF-style: chr6-7585544-C-T. GRCh37 (hg19) VCF-style: chr6-7585777-C-T.
Other names: p.Ala2761Val; c.6485C>T, p.Ala2162Val (NM_001008844.3); c.6953C>T, p.Ala2318Val (NM_001319034.2); short protein forms A2162V, A2318V, A2761V.
Identifiers: ClinVar variation 2682919 (VCV002682919.1), dbSNP rs2533950775, ClinGen allele CA362694827.